The following is an entry in ClinVar:

NM_001277115.2(DNAH11):c.9079A>T (p.Ile3027Phe)

Gene: DNAH11 (dynein axonemal heavy chain 11; plus strand). Cytogenetic location: 7p15.3.
Variant type: single nucleotide variant.
Coding change: c.9079A>T on transcript NM_001277115.2 (MANE Select); coding-DNA position 9079, A replaced by T.
Protein change: p.Ile3027Phe; replaces isoleucine 3027 with phenylalanine.
Molecular consequence: missense variant.
Genome position (GRCh38, 1-based): chr7:21,765,566, A>T. VCF-style: chr7-21765566-A-T. GRCh37 (hg19) VCF-style: chr7-21805184-A-T.
Other names: short protein forms I3027F.
Identifiers: ClinVar variation 3503069 (VCV003503069.1).
Genomic context (GRCh38, chr7:21,765,566, plus strand): 5'-GCTATTGACTGGTTTCATGCGTGGCCGCAGGAGGCTCTGGTCTCCGTCAGCAGGAGGTTC[A>T]TTGAGGAAACCAAGGGAATTGAGGTATGCCGTGTCAGCCTGCGTCACACACACACACACA-3'
Protein context (NP_001264044.1, residues 3017-3037): EALVSVSRRF[Ile3027Phe]EETKGIEPVH

ClinVar aggregate classification (germline): Uncertain significance (1 of 4 stars; one submission).

Conditions:
Primary ciliary dyskinesia. Also called: Ciliary dyskinesia. Identifiers: Orphanet 244, MedGen C0008780, MONDO:0016575, HP:0012265.

gnomAD v4.1: 1 of 1,561,356 alleles (0.000064%); highest among the groups gnomAD compares: South Asian, 0.0011%; no homozygotes.

Submission:

Ambry Genetics
Classification: Uncertain significance for Primary ciliary dyskinesia. Last evaluated: 2024-09-23. Review status: criteria provided, single submitter. Criteria: Ambry Variant Classification Scheme 2023. Collection method: clinical testing. Allele origin: germline.
Comment: The p.I3027F variant (also known as c.9079A>T), located in coding exon 55 of the DNAH11 gene, results from an A to T substitution at nucleotide position 9079. The isoleucine at codon 3027 is replaced by phenylalanine, an amino acid with highly similar properties. This amino acid position is conserved. In addition, this alteration is predicted to be tolerated by in silico analysis. Based on the available evidence, the clinical significance of this variant remains unclear.